The following is an entry in ClinVar:

ClinVar aggregate classification (germline): Uncertain significance. Review status: criteria provided, multiple submitters, no conflicts (2 of 4 stars). 2 submissions from 2 submitters: Uncertain significance (2). Last evaluated 2026-05-23.

Conditions:
Inborn genetic diseases. Identifiers: MedGen C0950123, MeSH D030342.
PIEZO1-related disorder. Also called: PIEZO1-related condition; PIEZO1-Related Disorders.

gnomAD v4.1: 1 of 1,548,904 alleles (0.000065%); highest among the groups gnomAD compares: African/African-American, 0.0014%; no homozygotes.

Submissions (2):

Ambry Genetics
Classification: Uncertain significance for Inborn genetic diseases. Last evaluated: 2026-05-23. Review status: criteria provided, single submitter. Criteria: Ambry Variant Classification Scheme 2023. Collection method: clinical testing. Allele origin: germline.

PreventionGenetics, part of Exact Sciences
Classification: Uncertain significance for PIEZO1-related condition. Last evaluated: 2025-07-01. Review status: criteria provided, single submitter. Criteria: ACMG Guidelines, 2015. Collection method: clinical testing. Allele origin: germline.
Comment: The PIEZO1 c.5181G>T variant is predicted to result in the amino acid substitution p.Lys1727Asn. To our knowledge, this variant has not been reported in the literature or in a large population database (gnomAD), indicating this variant is rare. At this time, the clinical significance of this variant is uncertain due to the absence of conclusive functional and genetic evidence.

NM_001142864.4(PIEZO1):c.5181G>T (p.Lys1727Asn)

Gene: PIEZO1 (piezo type mechanosensitive ion channel component 1 (Er blood group); minus strand). Cytogenetic location: 16q24.3.
Variant type: single nucleotide variant.
Coding change: c.5181G>T on transcript NM_001142864.4 (MANE Select); coding-DNA position 5181, G replaced by T.
Protein change: p.Lys1727Asn; replaces lysine 1727 with asparagine.
Molecular consequence: missense variant.
Genome position (GRCh38, 1-based): chr16:88,721,841, C>A on the plus strand (G>T on the coding strand, the complement: PIEZO1 is on the minus strand). VCF-style: chr16-88721841-C-A. GRCh37 (hg19) VCF-style: chr16-88788249-C-A.
Other names: c.5181G>T (NM_001142864.3); short protein forms K1727N.
Identifiers: ClinVar variation 4861832 (VCV004861832.2).